The following is an entry in ClinVar:

ClinVar aggregate classification (germline): Uncertain significance (1 of 4 stars; one submission).

Submission:

CeGaT Center for Human Genetics Tuebingen
Classification: Uncertain significance. Last evaluated: 2024-04-01. Review status: criteria provided, single submitter. Criteria: CeGaT Center For Human Genetics Tuebingen Variant Classification Criteria Version 2. Collection method: clinical testing. Allele origin: germline. Affected: yes. Observed: 2 variant alleles.
Comment: CACNA1S: PM2:Supporting

NM_000069.3(CACNA1S):c.472G>T (p.Gly158Cys)

Gene: CACNA1S (calcium voltage-gated channel subunit alpha1 S; minus strand). Cytogenetic location: 1q32.1.
Variant type: single nucleotide variant.
Coding change: c.472G>T on transcript NM_000069.3 (MANE Select); coding-DNA position 472, G replaced by T.
Protein change: p.Gly158Cys; replaces glycine 158 with cysteine.
Molecular consequence: missense variant.
Genome position (GRCh38, 1-based): chr1:201,092,041, C>A on the plus strand (G>T on the coding strand, the complement: CACNA1S is on the minus strand). VCF-style: chr1-201092041-C-A. GRCh37 (hg19) VCF-style: chr1-201061169-C-A.
Other names: short protein forms G158C.
Identifiers: ClinVar variation 3234460 (VCV003234460.20), dbSNP rs373218444, ClinGen allele CA344141957.